The following is an entry in ClinVar:

ClinVar aggregate classification (germline): Uncertain significance. Review status: criteria provided, multiple submitters, no conflicts (2 of 4 stars). 2 submissions from 2 submitters: Uncertain significance (2). Last evaluated 2023-12-13.

Conditions:
Arrhythmogenic right ventricular cardiomyopathy (ARVD). Also called: Arrhythmogenic cardiomyopathy; Cardiomyopathy, ARVC; Arrhythmogenic right ventricular dysplasia; Arrhythmogenic Right Ventricular Cardiomyopathy (ARVC). Identifiers: Orphanet 247, MedGen C0349788, MeSH D019571, MONDO:0016587. Disease mechanism: loss of function. Inheritance: Various modes of inheritance.
Cardiomyopathy (CMYO). Also called: Cardiomyopathies. Identifiers: Orphanet 167848, MedGen C0878544, MONDO:0004994, HP:0001638. Inheritance: Various modes of inheritance.

Allele frequency attached by ClinVar (database versions not stated): gnomAD exomes below 0.00001; ExAC 0.00001.
gnomAD v4.1: 1 of 1,600,418 alleles (0.000062%); highest among the groups gnomAD compares: East Asian, 0.0022%; no homozygotes.

Submissions (2):

All of Us Research Program, National Institutes of Health
Classification: Uncertain significance for Arrhythmogenic right ventricular cardiomyopathy. Last evaluated: 2023-12-13. Review status: criteria provided, single submitter. Criteria: ACMG Guidelines, 2015. Collection method: clinical testing. Allele origin: germline. Inheritance: Autosomal dominant inheritance. Observed: 1 variant allele, 1 heterozygote.
Comment: This missense variant replaces alanine with threonine at codon 763 of the DSG2 protein. Computational prediction suggests that this variant may not impact protein structure and function (internally defined REVEL score threshold <= 0.5, PMID: 27666373). To our knowledge, functional studies have not been reported for this variant. This variant has not been reported in individuals affected with cardiovascular disorders in the literature. This variant has been identified in 1/239332 chromosomes in the general population by the Genome Aggregation Database (gnomAD). The available evidence is insufficient to determine the role of this variant in disease conclusively. Therefore, this variant is classified as a Variant of Uncertain Significance.

This study involves interpretation of variants in research participants for the purpose of population health screening. Participant phenotype was not available at the time of variant classification. Additional details can be found in publication PMID: 35346344, PMCID: PMC8962531

Color Diagnostics, LLC DBA Color Health
Classification: Uncertain significance for Cardiomyopathy. Last evaluated: 2023-12-04. Review status: criteria provided, single submitter. Criteria: ACMG Guidelines, 2015. Collection method: clinical testing. Allele origin: germline.
Comment: This missense variant replaces alanine with threonine at codon 763 of the DSG2 protein. Computational prediction suggests that this variant may not impact protein structure and function (internally defined REVEL score threshold <= 0.5, PMID: 27666373). To our knowledge, functional studies have not been reported for this variant. This variant has not been reported in individuals affected with DSG2-related disorders in the literature. This variant has been identified in 1/239332 chromosomes in the general population by the Genome Aggregation Database (gnomAD). The available evidence is insufficient to determine the role of this variant in disease conclusively. Therefore, this variant is classified as a Variant of Uncertain Significance.

NM_001943.5(DSG2):c.2287G>A (p.Ala763Thr)

Genes: DSG2 (desmoglein 2; plus strand), DSG2-AS1 (DSG2 antisense RNA 1; minus strand). Cytogenetic location: 18q12.1.
Variant type: single nucleotide variant.
Coding change: c.2287G>A on transcript NM_001943.5 (MANE Select); coding-DNA position 2287, G replaced by A.
Protein change: p.Ala763Thr; replaces alanine 763 with threonine.
Molecular consequence: missense variant.
Genome position (GRCh38, 1-based): chr18:31,542,805, G>A. VCF-style: chr18-31542805-G-A. GRCh37 (hg19) VCF-style: chr18-29122768-G-A.
Other names: short protein forms A763T.
Identifiers: ClinVar variation 927723 (VCV000927723.5), dbSNP rs754351622, ClinGen allele CA045411.